The following is an entry in ClinVar:

NM_170606.3(KMT2C):c.3487G>C (p.Val1163Leu)

Gene: KMT2C (lysine methyltransferase 2C; minus strand). Cytogenetic location: 7q36.1.
Variant type: single nucleotide variant.
Coding change: c.3487G>C on transcript NM_170606.3 (MANE Select); coding-DNA position 3487, G replaced by C.
Protein change: p.Val1163Leu; replaces valine 1163 with leucine.
Molecular consequence: missense variant.
Genome position (GRCh38, 1-based): chr7:152,222,013, C>G on the plus strand (G>C on the coding strand, the complement: KMT2C is on the minus strand). VCF-style: chr7-152222013-C-G. GRCh37 (hg19) VCF-style: chr7-151919098-C-G.
Other names: short protein forms V1163L.
Identifiers: ClinVar variation 134746 (VCV000134746.28), dbSNP rs142546291, ClinGen allele CA160665.

ClinVar aggregate classification (germline): Benign/Likely benign. Review status: criteria provided, multiple submitters, no conflicts (2 of 4 stars). 3 submissions from 3 submitters: Benign (1); Likely benign (1). 1 of the submissions does not count toward it. Last evaluated 2026-02-01.

Allele frequency attached by ClinVar (database versions not stated): 1000 Genomes Project 30x 0.00359; ESP Exome Variant Server 0.00377; 1000 Genomes Project 0.00379; gnomAD exomes 0.00075; ExAC 0.00094; TOPMed 0.00333.
gnomAD v4.1: 834 of 1,603,260 alleles (0.052%); highest among the groups gnomAD compares: African/African-American, 1%; 6 homozygotes.

Submissions (3):

CeGaT Center for Human Genetics Tuebingen
Classification: Likely benign. Last evaluated: 2026-02-01. Review status: criteria provided, single submitter. Criteria: CeGaT Center For Human Genetics Tuebingen Variant Classification Criteria Version 2. Collection method: clinical testing. Allele origin: germline. Affected: yes. Observed: 3 variant alleles.
Comment: KMT2C: BS1

Labcorp Genetics (formerly Invitae), Labcorp
Classification: Benign. Last evaluated: 2026-01-19. Review status: criteria provided, single submitter. Criteria: Invitae Variant Classification Sherloc (09022015). Collection method: clinical testing. Allele origin: germline.

ITMI
No classification provided. Condition: AllHighlyPenetrant. Last evaluated: 2013-09-19. Review status: no classification provided. Collection method: reference population. Allele origin: germline. Not counted in ClinVar's aggregate classification.
Comment: Please see associated publication for description of ethnicities

Literature cited by the submitters: PubMed 24728327 (cited by ITMI).